The following is an entry in ClinVar:

NM_172107.4(KCNQ2):c.1301+6G>A

Gene: KCNQ2 (potassium voltage-gated channel subfamily Q member 2; minus strand). Cytogenetic location: 20q13.33.
Variant type: single nucleotide variant.
Coding change: c.1301+6G>A on transcript NM_172107.4 (MANE Select); 6 bases into the intron after coding-DNA position 1301, G replaced by A.
Molecular consequence: intron variant.
Genome position (GRCh38, 1-based): chr20:63,419,613, C>T on the plus strand (G>A on the coding strand, the complement: KCNQ2 is on the minus strand). VCF-style: chr20-63419613-C-T. GRCh37 (hg19) VCF-style: chr20-62050966-C-T.
Other names: c.1218-4487G>A (NM_004518.6); c.1248-4523G>A (NM_172108.5); c.1248-4487G>A (NM_172106.3).
Identifiers: ClinVar variation 804956 (VCV000804956.7), dbSNP rs377304987, ClinGen allele CA9958510.

ClinVar aggregate classification (germline): Uncertain significance. Review status: criteria provided, multiple submitters, no conflicts (2 of 4 stars). 2 submissions from 2 submitters: Uncertain significance (2). Last evaluated 2025-07-09.

Conditions:
Early-infantile DEE. Also called: Ohtahara syndrome; Early infantile epileptic encephalopathy; Early infantile epileptic encephalopathy with suppression bursts. Identifiers: Orphanet 1934, MedGen C0393706, MONDO:0800491.

Allele frequency attached by ClinVar (database versions not stated): gnomAD exomes 0.00001 and 0.00002; ExAC 0.00002; gnomAD 0.00003; TOPMed 0.00004; ESP Exome Variant Server 0.00008.
gnomAD v4.1: 20 of 1,608,636 alleles (0.0012%); highest among the groups gnomAD compares: African/African-American, 0.0067%; no homozygotes.

Submissions (2):

Labcorp Genetics (formerly Invitae), Labcorp
Classification: Uncertain significance for Early-infantile DEE. Last evaluated: 2025-07-09. Review status: criteria provided, single submitter. Criteria: Invitae Variant Classification Sherloc (09022015). Collection method: clinical testing. Allele origin: germline.
Comment: This sequence change falls in intron 12 of the KCNQ2 gene. It does not directly change the encoded amino acid sequence of the KCNQ2 protein. It affects a nucleotide within the consensus splice site. This variant is present in population databases (rs377304987, gnomAD 0.007%). This variant has not been reported in the literature in individuals affected with KCNQ2-related conditions. ClinVar contains an entry for this variant (Variation ID: 804956). Variants that disrupt the consensus splice site are a relatively common cause of aberrant splicing (PMID: 17576681, 9536098). Algorithms developed to predict the effect of sequence changes on RNA splicing suggest that this variant is not likely to affect RNA splicing. In summary, the available evidence is currently insufficient to determine the role of this variant in disease. Therefore, it has been classified as a Variant of Uncertain Significance.

Athena Diagnostics
Classification: Uncertain significance. Last evaluated: 2019-04-02. Review status: criteria provided, single submitter. Criteria: Athena Diagnostics Criteria. Collection method: clinical testing. Allele origin: germline.

Literature cited by the submitters: PubMed 17576681 (cited by Labcorp Genetics (formerly Invitae), Labcorp); PubMed 9536098 (cited by Labcorp Genetics (formerly Invitae), Labcorp).